The following is an entry in ClinVar:

NM_000426.4(LAMA2):c.467G>C (p.Arg156Pro)

Gene: LAMA2 (laminin subunit alpha 2; plus strand). Cytogenetic location: 6q22.33.
Variant type: single nucleotide variant.
Coding change: c.467G>C on transcript NM_000426.4 (MANE Select); coding-DNA position 467, G replaced by C.
Protein change: p.Arg156Pro; replaces arginine 156 with proline.
Molecular consequence: missense variant.
Genome position (GRCh38, 1-based): chr6:129,098,243, G>C. VCF-style: chr6-129098243-G-C. GRCh37 (hg19) VCF-style: chr6-129419388-G-C.
Other names: c.467G>C, p.Arg156Pro (NM_001079823.2); short protein forms R156P.
Identifiers: ClinVar variation 1381993 (VCV001381993.5), dbSNP rs753835841, ClinGen allele CA365829186.
Genomic context (GRCh38, chr6:129,098,243, plus strand): 5'-TCGCGTATGTGATTGTGAAGGCAGCTAACTCCCCCCGGCCTGGAAACTGGATTTTGGAAC[G>C]CTCTCTTGATGATGTTGAATACAAGCCCTGGCAGTATCATGCTGTGACAGACACGGAGTG-3'
Protein context (NP_000417.3, residues 146-166): SPRPGNWILE[Arg156Pro]SLDDVEYKPW

ClinVar aggregate classification (germline): Uncertain significance (1 of 4 stars; one submission).

Conditions:
LAMA2-related muscular dystrophy (LAMA2-RD). Also called: Laminin alpha 2-related dystrophy. Identifiers: MedGen C5679788, MONDO:0100228.

Submission:

Labcorp Genetics (formerly Invitae), Labcorp
Classification: Uncertain significance for LAMA2-related muscular dystrophy. Last evaluated: 2021-09-02. Review status: criteria provided, single submitter. Criteria: Invitae Variant Classification Sherloc (09022015). Collection method: clinical testing. Allele origin: germline.
Comment: This sequence change replaces arginine with proline at codon 156 of the LAMA2 protein (p.Arg156Pro). The arginine residue is moderately conserved and there is a moderate physicochemical difference between arginine and proline. This variant is not present in population databases (ExAC no frequency). This variant has not been reported in the literature in individuals affected with LAMA2-related conditions. Algorithms developed to predict the effect of missense changes on protein structure and function are either unavailable or do not agree on the potential impact of this missense change (SIFT: "Deleterious"; PolyPhen-2: "Probably Damaging"; Align-GVGD: "Class C0"). In summary, the available evidence is currently insufficient to determine the role of this variant in disease. Therefore, it has been classified as a Variant of Uncertain Significance.